The following is an entry in ClinVar:

ClinVar aggregate classification (germline): Pathogenic. Review status: criteria provided, multiple submitters, no conflicts (2 of 4 stars). 2 submissions from 2 submitters: Pathogenic (2). Last evaluated 2023-08-07.

Conditions:
Farber lipogranulomatosis (FRBRL). Also called: AC DEFICIENCY; ACID CERAMIDASE DEFICIENCY; CERAMIDASE DEFICIENCY; N-LAURYLSPHINGOSINE DEACYLASE DEFICIENCY; Farber's lipogranulomatosis; Farber's disease. Identifiers: Orphanet 333, MedGen C0268255, MONDO:0009218, OMIM 228000.

Allele frequency attached by ClinVar (database versions not stated): gnomAD 0.00003.
gnomAD v4.1: 2 of 1,612,548 alleles (0.00012%); highest among the groups gnomAD compares: Non-Finnish European, 0.00017%; no homozygotes.

Submissions (2):

Labcorp Genetics (formerly Invitae), Labcorp
Classification: Pathogenic. Last evaluated: 2023-08-07. Review status: criteria provided, single submitter. Criteria: Invitae Variant Classification Sherloc (09022015). Collection method: clinical testing. Allele origin: germline.
Comment: This sequence change replaces arginine, which is basic and polar, with glycine, which is neutral and non-polar, at codon 254 of the ASAH1 protein (p.Arg254Gly). This variant is not present in population databases (gnomAD no frequency). This missense change has been observed in individual(s) with Farber’s disease (PMID: 10610716, 26945816). It has also been observed to segregate with disease in related individuals. ClinVar contains an entry for this variant (Variation ID: 812478). Advanced modeling of protein sequence and biophysical properties (such as structural, functional, and spatial information, amino acid conservation, physicochemical variation, residue mobility, and thermodynamic stability) performed at Invitae indicates that this missense variant is expected to disrupt ASAH1 protein function. Experimental studies have shown that this missense change affects ASAH1 function (PMID: 10610716). For these reasons, this variant has been classified as Pathogenic.

Medical Affairs, Dicerna Pharmaceuticals
Classification: Pathogenic for Farber lipogranulomatosis. Last evaluated: 2019-06-19. Review status: criteria provided, single submitter. Criteria: ACMG Guidelines, 2015. Collection method: literature only. Allele origin: paternal. Inheritance: Autosomal recessive inheritance. Affected: yes. Observed: 6 variant alleles. Clinical features observed: episodic fever, joint pain, adult-onset progressive shortening of fingers and toes, severe osteolysis of the distal radius and ulna, carpal bones, metacarpal bones, and phalanges, subcutaneous nodules, hoarseness, joint contractures.
Comment: Variant c.760A>G is pathogenic. This variant has been identified in 6 Farber disease patients from 4 unrelated families. In all three patients, the variant c.760A>G was identified using whole exome sequencing. Functional testing demonstrated acid ceramidase activity levels in the patient's cultured fibroblasts were ~7-8% of the normal activity found in control cells. In addition to Bonafe et al., 2015, variant c.760A>G has been identified in 3 additional unrelated individuals described by Li et al., 1999, DOI: 10.1006/geno.1999.5940, Ehlert et al., 2018, DOI: 10.1002/jimd.12043, and Kostik et al., DOI 10.1007/s10545-012-9573-z 2012. The Farber disease patient described in Li et al., 1999, underwent FLAG-tagged mutant protein expressed in COS1 cells. This patient demonstrated <10% AC enzyme activity verifying the result seen in Bonafe et al., 2015. The total number of Farber disease patients identified with variant c.760A>G and functional testing supports the clinical pathogenicity of this mutation.

Whole exome sequencing of the 3 affected siblings revealed the presence of 2 mutations in the ASAH1 gene, c.554T.C (p.Trp169Arg) and c.809A.G (p.Arg254Gly).

Literature cited by the submitters: PubMed 10610716 (cited by Labcorp Genetics (formerly Invitae), Labcorp); PubMed 26945816 (cited by Labcorp Genetics (formerly Invitae), Labcorp); DOI 10.1002/art.39752 (cited by Medical Affairs, Dicerna Pharmaceuticals); DOI 10.1038/srep17154 (cited by Medical Affairs, Dicerna Pharmaceuticals); DOI 10.1194/JLR.D010033. (cited by Medical Affairs, Dicerna Pharmaceuticals).

NM_177924.5(ASAH1):c.760A>G (p.Arg254Gly)

Gene: ASAH1 (N-acylsphingosine amidohydrolase 1; minus strand). Cytogenetic location: 8p22.
Variant type: single nucleotide variant.
Coding change: c.760A>G on transcript NM_177924.5 (MANE Select); coding-DNA position 760, A replaced by G.
Protein change: p.Arg254Gly; replaces arginine 254 with glycine.
Molecular consequence: missense variant.
Genome position (GRCh38, 1-based): chr8:18,061,402, T>C on the plus strand (A>G on the coding strand, the complement: ASAH1 is on the minus strand). VCF-style: chr8-18061402-T-C. GRCh37 (hg19) VCF-style: chr8-17918911-T-C.
Other names: c.742A>G, p.Arg248Gly (NM_001127505.3); c.565A>G, p.Arg189Gly (NM_001363743.2); c.808A>G, p.Arg270Gly (NM_004315.6); short protein forms R254G, R270G, R189G, R248G.
Identifiers: ClinVar variation 812478 (VCV000812478.4), dbSNP rs1564537266, ClinGen allele CA370429322.